The following is an entry in ClinVar:

NM_002519.3(NPAT):c.3343A>G (p.Ile1115Val)

Gene: NPAT (nuclear protein, coactivator of histone transcription; minus strand). Cytogenetic location: 11q22.3.
Variant type: single nucleotide variant.
Coding change: c.3343A>G on transcript NM_002519.3 (MANE Select); coding-DNA position 3343, A replaced by G.
Protein change: p.Ile1115Val; replaces isoleucine 1115 with valine.
Molecular consequence: missense variant.
Genome position (GRCh38, 1-based): chr11:108,161,743, T>C on the plus strand (A>G on the coding strand, the complement: NPAT is on the minus strand). VCF-style: chr11-108161743-T-C. GRCh37 (hg19) VCF-style: chr11-108032470-T-C.
Other names: c.3364A>G, p.Ile1122Val (NM_001321307.1); short protein forms I1122V, I1115V.
Identifiers: ClinVar variation 2969014 (VCV002969014.3), dbSNP rs537289067, ClinGen allele CA6263597.

ClinVar aggregate classification (germline): Uncertain significance (1 of 4 stars; one submission).

Allele frequency attached by ClinVar (database versions not stated): ExAC 0.00001; gnomAD exomes 0.00003; TOPMed 0.00003; gnomAD 0.00004; 1000 Genomes Project 0.00020; 1000 Genomes Project 30x 0.00031.
gnomAD v4.1: 43 of 1,613,818 alleles (0.0027%); highest among the groups gnomAD compares: Admixed American, 0.005%; no homozygotes.

Submission:

Labcorp Genetics (formerly Invitae), Labcorp
Classification: Uncertain significance. Last evaluated: 2024-10-17. Review status: criteria provided, single submitter. Criteria: Invitae Variant Classification Sherloc (09022015). Collection method: clinical testing. Allele origin: germline.
Comment: This sequence change replaces isoleucine, which is neutral and non-polar, with valine, which is neutral and non-polar, at codon 1115 of the NPAT protein (p.Ile1115Val). This variant is present in population databases (rs537289067, gnomAD 0.004%). This variant has not been reported in the literature in individuals affected with NPAT-related conditions. An algorithm developed to predict the effect of missense changes on protein structure and function outputs the following: PolyPhen-2: "Benign". The valine amino acid residue is found in multiple mammalian species, which suggests that this missense change does not adversely affect protein function. In summary, the available evidence is currently insufficient to determine the role of this variant in disease. Therefore, it has been classified as a Variant of Uncertain Significance.